The following is an entry in ClinVar:

ClinVar aggregate classification (germline): Uncertain significance (1 of 4 stars; one submission).

Conditions:
RYR1-related disorder. Also called: RYR1-related condition; RYR1-related disorders. Identifiers: MedGen CN239331.

Submission:

Labcorp Genetics (formerly Invitae), Labcorp
Classification: Uncertain significance for RYR1-related disorder. Last evaluated: 2024-07-11. Review status: criteria provided, single submitter. Criteria: Invitae Variant Classification Sherloc (09022015). Collection method: clinical testing. Allele origin: germline.
Comment: This sequence change replaces leucine, which is neutral and non-polar, with proline, which is neutral and non-polar, at codon 1486 of the RYR1 protein (p.Leu1486Pro). This variant is not present in population databases (gnomAD no frequency). This variant has not been reported in the literature in individuals affected with RYR1-related conditions. An algorithm developed to predict the effect of missense changes on protein structure and function (PolyPhen-2) suggests that this variant is likely to be disruptive. In summary, the available evidence is currently insufficient to determine the role of this variant in disease. Therefore, it has been classified as a Variant of Uncertain Significance.

NM_000540.3(RYR1):c.4457T>C (p.Leu1486Pro)

Gene: RYR1 (ryanodine receptor 1; plus strand). Cytogenetic location: 19q13.2.
Variant type: single nucleotide variant.
Coding change: c.4457T>C on transcript NM_000540.3 (MANE Select); coding-DNA position 4457, T replaced by C.
Protein change: p.Leu1486Pro; replaces leucine 1486 with proline.
Molecular consequence: missense variant.
Genome position (GRCh38, 1-based): chr19:38,478,437, T>C. VCF-style: chr19-38478437-T-C. GRCh37 (hg19) VCF-style: chr19-38969077-T-C.
Other names: c.4457T>C, p.Leu1486Pro (NM_001042723.2); short protein forms L1486P.
Identifiers: ClinVar variation 3659293 (VCV003659293.2).